The following is an entry in ClinVar:

NM_000170.3(GLDC):c.872G>A (p.Cys291Tyr)

Gene: GLDC (glycine decarboxylase; minus strand). Cytogenetic location: 9p24.1.
Variant type: single nucleotide variant.
Coding change: c.872G>A on transcript NM_000170.3 (MANE Select); coding-DNA position 872, G replaced by A.
Protein change: p.Cys291Tyr; replaces cysteine 291 with tyrosine.
Molecular consequence: missense variant.
Genome position (GRCh38, 1-based): chr9:6,604,774, C>T on the plus strand (G>A on the coding strand, the complement: GLDC is on the minus strand). VCF-style: chr9-6604774-C-T. GRCh37 (hg19) VCF-style: chr9-6604774-C-T.
Other names: short protein forms C291Y.
Identifiers: ClinVar variation 1076063 (VCV001076063.9), dbSNP rs777632051, ClinGen allele CA372896068.

ClinVar aggregate classification (germline): Pathogenic (1 of 4 stars; one submission).

Conditions:
Glycine encephalopathy. Also called: Nonketotic hyperglycinemia; Non-ketotic hyperglycinemia. Identifiers: Orphanet 407, MedGen C0751748, MONDO:0011612, HP:0008288.

gnomAD v4.1: 3 of 1,613,818 alleles (0.00019%); highest among the groups gnomAD compares: South Asian, 0.0033%; no homozygotes.

Submission:

Labcorp Genetics (formerly Invitae), Labcorp
Classification: Pathogenic for Glycine encephalopathy. Last evaluated: 2020-09-09. Review status: criteria provided, single submitter. Criteria: Invitae Variant Classification Sherloc (09022015). Collection method: clinical testing. Allele origin: germline.
Comment: This sequence change replaces cysteine with tyrosine at codon 291 of the GLDC protein (p.Cys291Tyr). The cysteine residue is moderately conserved and there is a large physicochemical difference between cysteine and tyrosine. This variant is not present in population databases (ExAC no frequency). This variant has been observed in individual(s) with glycine encephalopathy (PMID: 27362913). Advanced modeling of protein sequence and biophysical properties (such as structural, functional, and spatial information, amino acid conservation, physicochemical variation, residue mobility, and thermodynamic stability) performed at Invitae indicates that this missense variant is expected to disrupt GLDC protein function. This variant disrupts the p.Cys291 amino acid residue in GLDC. Other variant(s) that disrupt this residue have been observed in individuals with GLDC-related conditions (PMID: 27362913), which suggests that this may be a clinically significant amino acid residue. For these reasons, this variant has been classified as Pathogenic. Experimental studies have shown that this variant affects GLDC protein function (PMID: 26179960).

Literature cited by the submitters: PubMed 27362913; PubMed 26179960.